The following is an entry in ClinVar:

NM_001142800.2(EYS):c.7798_7802del (p.Pro2600fs)

Gene: EYS (EGF-like photoreceptor maintenance factor; minus strand). Cytogenetic location: 6q12.
Variant type: Deletion.
Coding change: c.7798_7802del on transcript NM_001142800.2 (MANE Select); coding-DNA positions 7798 to 7802, 5 bases deleted (CCAAA; older notation c.7798_7802delCCAAA).
Protein change: p.Pro2600fs; shifts the reading frame from proline 2600.
Molecular consequence: frameshift variant.
Genome position (GRCh38, 1-based): chr6:63,778,102-63,778,106, TTTGG deleted on the plus strand (CCAAA on the coding strand, the reverse complement: EYS is on the minus strand). VCF-style (leftmost placement, unchanged base first): chr6-63778101-ATTTGG-A. GRCh37 (hg19) VCF-style: chr6-64487994-ATTTGG-A.
Other names: c.7798_7802del5 (NM_001142800.1); c.7798_7802del, p.Pro2600fs (NM_001292009.2); short protein forms P2600fs.
Identifiers: ClinVar variation 1451460 (VCV001451460.8), dbSNP rs1770112191, ClinGen allele CA1633410993.
Genomic context (GRCh38, chr6:63,778,101, plus strand): 5'-ATTGCCACATTTCATTAAACTGCAGGGAGAAGCATGACACTGGCCAACACTGCGTCCAGC[ATTTGG>A]GTGGCCCTCAGGATTTCCCAGTCCTCTGAAATGGCCATCCTTCTCAGTGCGAACTTGAAG-3'

ClinVar aggregate classification (germline): Pathogenic/Likely pathogenic. Review status: criteria provided, multiple submitters, no conflicts (2 of 4 stars). 3 submissions from 3 submitters: Pathogenic (1); Likely pathogenic (1). 1 of the submissions does not count toward it. Last evaluated 2024-08-05.

Conditions:
EYS-related disorder. Also called: EYS-related condition.

Allele frequency attached by ClinVar (database versions not stated): gnomAD exomes below 0.00001; TOPMed below 0.00001.

Submissions (3):

Blueprint Genetics
Classification: Likely pathogenic for EYS-related disorders. Last evaluated: 2024-08-05. Review status: criteria provided, single submitter. Criteria: ACMG Guidelines, 2015. Collection method: clinical testing. Allele origin: germline. Affected: yes. Observed: 3 variant alleles.

Labcorp Genetics (formerly Invitae), Labcorp
Classification: Pathogenic. Last evaluated: 2023-09-05. Review status: criteria provided, single submitter. Criteria: Invitae Variant Classification Sherloc (09022015). Collection method: clinical testing. Allele origin: germline.
Comment: This variant is not present in population databases (gnomAD no frequency). For these reasons, this variant has been classified as Pathogenic. ClinVar contains an entry for this variant (Variation ID: 1451460). This variant has not been reported in the literature in individuals affected with EYS-related conditions. This sequence change creates a premature translational stop signal (p.Pro2600Cysfs*30) in the EYS gene. It is expected to result in an absent or disrupted protein product. Loss-of-function variants in EYS are known to be pathogenic (PMID: 18836446, 20333770).

PreventionGenetics, part of Exact Sciences
Classification: Likely pathogenic for EYS-related condition. Last evaluated: 2024-04-18. Review status: no assertion criteria provided. Collection method: clinical testing. Allele origin: germline. Not counted in ClinVar's aggregate classification.
Comment: The EYS c.7798_7802del5 variant is predicted to result in a frameshift and premature protein termination (p.Pro2600Cysfs*30). This variant has been reported along with an intronic variant in an individual with retinal dystrophy (Table S4, Panneman et al. 2023. PubMed ID: 36819107). This variant has not been reported in a large population database, indicating this variant is rare. Frameshift variants in EYS are expected to be pathogenic. Given the evidence, we interpret this variant as likely pathogenic.

Literature cited by the submitters: PubMed 18836446 (cited by Labcorp Genetics (formerly Invitae), Labcorp); PubMed 20333770 (cited by Labcorp Genetics (formerly Invitae), Labcorp).